The following is an entry in ClinVar:

ClinVar aggregate classification (germline): Uncertain significance (1 of 4 stars; one submission).

Submission:

Labcorp Genetics (formerly Invitae), Labcorp
Classification: Uncertain significance. Last evaluated: 2024-02-17. Review status: criteria provided, single submitter. Criteria: Invitae Variant Classification Sherloc (09022015). Collection method: clinical testing. Allele origin: germline.
Comment: This sequence change replaces arginine, which is basic and polar, with serine, which is neutral and polar, at codon 361 of the OAS1 protein (p.Arg361Ser). Information on the frequency of this variant in the gnomAD database is not available, as this variant may be reported differently in the database. This variant has not been reported in the literature in individuals affected with OAS1-related conditions. ClinVar contains an entry for this variant (Variation ID: 1421107). An algorithm developed to predict the effect of missense changes on protein structure and function (PolyPhen-2) suggests that this variant is likely to be tolerated. In summary, the available evidence is currently insufficient to determine the role of this variant in disease. Therefore, it has been classified as a Variant of Uncertain Significance.

NM_016816.4(OAS1):c.1081_1082delinsTC (p.Arg361Ser)

Gene: OAS1 (2'-5'-oligoadenylate synthetase 1; plus strand). Cytogenetic location: 12q24.13.
Variant type: Indel.
Coding change: c.1081_1082delinsTC on transcript NM_016816.4 (MANE Select); coding-DNA positions 1081 to 1082, AG replaced by TC.
Protein change: p.Arg361Ser; replaces arginine 361 with serine.
Molecular consequence: missense variant. On other transcripts: intron variant (2).
Genome position (GRCh38, 1-based): chr12:112,919,431-112,919,432, AG replaced by TC. VCF-style: chr12-112919431-AG-TC. GRCh37 (hg19) VCF-style: chr12-113357236-AG-TC.
Other names: c.1038+1731_1038+1732delinsTC (NM_001320151.2); c.1039-56_1039-55delinsTC (NM_001032409.3); short protein forms R361S.
Identifiers: ClinVar variation 1421107 (VCV001421107.6), dbSNP rs2136326631, ClinGen allele CA2573147997.
Genomic context (GRCh38, chr12:112,919,431, plus strand): 5'-TGTGTCTCACCCTTTCAGGCTGAAAGCAACAGTGCAGACGATGAGACCGACGATCCCAGG[AG>TC]GTATCAGAAATATGGTTACATTGGAACACATGAGTACCCTCATTTCTCTCATAGACCCAG-3'
Protein context (NP_058132.2, residues 351-371): SADDETDDPR[Arg361Ser]YQKYGYIGTH